The following is an entry in ClinVar:

ClinVar aggregate classification (germline): Uncertain significance (1 of 4 stars; one submission).

Conditions:
Nephrotic syndrome, type 20. Identifiers: MedGen C5193011, MONDO:0026726, OMIM 301028.

Submission:

Victorian Clinical Genetics Services, Murdoch Childrens Research Institute
Classification: Uncertain significance for Nephrotic syndrome, type 20. Last evaluated: 2024-10-09. Review status: criteria provided, single submitter. Criteria: ACMG Guidelines, 2015. Collection method: clinical testing. Allele origin: germline. Inheritance: X-linked inheritance. Affected: yes.
Comment: Based on the classification scheme VCGS_Germline_v1.3.4, this variant is classified as VUS-3B. Following criteria are met: 0102 - Loss of function is a known mechanism of disease in this gene and is associated with nephrotic syndrome, type 20 (MIM#301028). (I) 0109 - This gene is associated with X-linked disease. Heterozygous females may have a milder disorder with proteinuria or may be unaffected (OMIM). (I) 0200 - Variant is predicted to result in a missense amino acid change from leucine to valine. (I) 0253 - This variant is hemizygous. (I) 0301 - Variant is absent from gnomAD (both v2 and v3). (SP) 0502 - Missense variant with conflicting in silico predictions and uninformative conservation. (I) 0600 - Variant is located in the annotated RabGAP-TBC domain (DECIPHER). (I) 0705 - No comparable missense variants have previous evidence for pathogenicity. (I) 0807 - This variant has no previous evidence of pathogenicity. (I) 0905 - No published segregation evidence has been identified for this variant. (I) 1007 - No published functional evidence has been identified for this variant. (I) 1208 - Inheritance information for this variant is not currently available in this individual. (I) Legend: (SP) - Supporting pathogenic, (I) - Information, (SB) - Supporting benign

NM_017752.3(TBC1D8B):c.1732T>G (p.Leu578Val)

Gene: TBC1D8B (TBC1 domain family member 8B; plus strand). Cytogenetic location: Xq22.3.
Variant type: single nucleotide variant.
Coding change: c.1732T>G on transcript NM_017752.3 (MANE Select); coding-DNA position 1732, T replaced by G.
Protein change: p.Leu578Val; replaces leucine 578 with valine.
Molecular consequence: missense variant.
Genome position (GRCh38, 1-based): chrX:106,848,198, T>G. VCF-style: chrX-106848198-T-G. GRCh37 (hg19) VCF-style: chrX-106091428-T-G.
Other names: c.1732T>G, p.Leu578Val (NM_198881.2); short protein forms L578V.
Identifiers: ClinVar variation 3377338 (VCV003377338.1).
Genomic context (GRCh38, chrX:106,848,198, plus strand): 5'-TTACTTGAGCAATATTTGCTTTTTAATACTGTTTTCTATGAATTTTAGGCAATGAATATT[T>G]TGACTTCAGTGCTGCTTCTATATGCAAAAGAGGAAGAAGCTTTTTGGCTTCTGGTTGCTG-3'
Protein context (NP_060222.2, residues 568-588): KIGYCQAMNI[Leu578Val]TSVLLLYAKE